The following is an entry in ClinVar:

ClinVar aggregate classification (germline): Conflicting classifications of pathogenicity. Review status: criteria provided, conflicting classifications (1 of 4 stars). 7 submissions from 7 submitters: Likely pathogenic (1); Uncertain significance (5). 1 of the submissions does not count toward it. Last evaluated 2025-11-01.

Conditions:
Cardiovascular phenotype. Identifiers: MedGen CN230736.
Long QT syndrome (LQTS). Identifiers: MedGen C0023976, MeSH D008133, MONDO:0002442. Disease mechanism: loss of function. Inheritance: Various modes of inheritance.
Cardiomyopathy (CMYO). Also called: Cardiomyopathies. Identifiers: Orphanet 167848, MedGen C0878544, MONDO:0004994, HP:0001638. Inheritance: Various modes of inheritance.

Allele frequency attached by ClinVar (database versions not stated): gnomAD 0.00001; gnomAD exomes 0.00001; ExAC 0.00002; TOPMed 0.00002.
gnomAD v4.1: 14 of 1,613,994 alleles (0.00087%); highest among the groups gnomAD compares: East Asian, 0.0022%; no homozygotes.

Submissions (7):

Labcorp Genetics (formerly Invitae), Labcorp
Classification: Likely pathogenic for Long QT syndrome. Last evaluated: 2025-11-01. Review status: criteria provided, single submitter. Criteria: Invitae Variant Classification Sherloc (09022015). Collection method: clinical testing. Allele origin: germline.
Comment: This sequence change replaces valine, which is neutral and non-polar, with methionine, which is neutral and non-polar, at codon 57 of the CAV3 protein (p.Val57Met). This variant is present in population databases (rs116840795, gnomAD 0.006%). This missense change has been observed in individuals with autosomal dominant CAV3-related conditions (PMID: 15099591, 22581547, 26404900, 27772553; internal data). ClinVar contains an entry for this variant (Variation ID: 31708). An algorithm developed to predict the effect of missense changes on protein structure and function (PolyPhen-2) suggests that this variant is likely to be disruptive. Studies have shown that this missense change alters CAV3 gene expression (PMID: 15099591). In summary, the currently available evidence indicates that the variant is pathogenic, but additional data are needed to prove that conclusively. Therefore, this variant has been classified as Likely Pathogenic.

Women's Health and Genetics/Laboratory Corporation of America, LabCorp
Classification: Uncertain significance. Last evaluated: 2024-09-04. Review status: criteria provided, single submitter. Criteria: LabCorp Variant Classification Summary - May 2015. Collection method: clinical testing. Allele origin: germline.
Comment: Variant summary: CAV3 c.169G>A (p.Val57Met) results in a conservative amino acid change in the encoded protein sequence. Four of five in-silico tools predict a damaging effect of the variant on protein function. The variant allele was found at a frequency of 1.2e-05 in 251334 control chromosomes. c.169G>A has been reported in the literature in heterozygous individuals affected with Rippling Muscle Disease 2 (Alias_2004, Macias_2016, Magri_2015, Milone_2012). These data indicate that the variant may be associated with disease. To our knowledge, no experimental evidence demonstrating an impact on protein function has been reported. The following publications have been ascertained in the context of this evaluation (PMID: 15099591, 27772553, 26404900, 22581547). ClinVar contains an entry for this variant (Variation ID: 31708). Based on the evidence outlined above, the variant was classified as VUS-possibly pathogenic.

GeneDx
Classification: Uncertain significance. Last evaluated: 2023-01-31. Review status: criteria provided, single submitter. Criteria: GeneDx Variant Classification Process June 2021. Collection method: clinical testing. Allele origin: germline. Affected: yes.
Comment: Not observed at significant frequency in large population cohorts (gnomAD); In silico analysis supports that this missense variant has a deleterious effect on protein structure/function; This variant is associated with the following publications: (PMID: 15564037, 34426522, 27772553, 15099591, 22581547)

Revvity Omics, Revvity
Classification: Uncertain significance. Last evaluated: 2022-06-20. Review status: criteria provided, single submitter. Criteria: ACMG Guidelines, 2015. Collection method: clinical testing. Allele origin: germline.

CHEO Genetics Diagnostic Laboratory, Children's Hospital of Eastern Ontario
Classification: Uncertain significance for Cardiomyopathy. Last evaluated: 2019-03-27. Review status: criteria provided, single submitter. Criteria: ACMG Guidelines, 2015. Collection method: clinical testing. Allele origin: germline.

Ambry Genetics
Classification: Uncertain significance for Cardiovascular phenotype. Last evaluated: 2018-12-20. Review status: criteria provided, single submitter. Criteria: Ambry Variant Classification Scheme 2023. Collection method: clinical testing. Allele origin: germline.

Leiden Muscular Dystrophy (CAV3)
No classification provided. Last evaluated: 2012-04-15. Review status: no classification provided. Collection method: curation. Allele origin: germline. Not counted in ClinVar's aggregate classification.

Literature cited by the submitters: PubMed 15099591 (cited by Labcorp Genetics (formerly Invitae), Labcorp and Women's Health and Genetics/Laboratory Corporation of America, LabCorp); PubMed 22581547 (cited by Labcorp Genetics (formerly Invitae), Labcorp and Women's Health and Genetics/Laboratory Corporation of America, LabCorp); PubMed 26404900 (cited by Labcorp Genetics (formerly Invitae), Labcorp and Women's Health and Genetics/Laboratory Corporation of America, LabCorp); PubMed 27772553 (cited by Labcorp Genetics (formerly Invitae), Labcorp and Women's Health and Genetics/Laboratory Corporation of America, LabCorp).

NM_033337.3(CAV3):c.169G>A (p.Val57Met)

Genes: CAV3 (caveolin 3; plus strand), OXTR (oxytocin receptor; minus strand). Cytogenetic location: 3p25.3.
Variant type: single nucleotide variant.
Coding change: c.169G>A on transcript NM_033337.3 (MANE Select); coding-DNA position 169, G replaced by A.
Protein change: p.Val57Met; replaces valine 57 with methionine.
Molecular consequence: missense variant.
Genome position (GRCh38, 1-based): chr3:8,745,580, G>A. VCF-style: chr3-8745580-G-A. GRCh37 (hg19) VCF-style: chr3-8787266-G-A.
Other names: c.169G>A, p.Val57Met (NM_001234.5); short protein forms V57M.
Identifiers: ClinVar variation 31708 (VCV000031708.17), dbSNP rs116840795, ClinGen allele CA215150.